The following is an entry in ClinVar:

ClinVar aggregate classification (germline): Likely pathogenic (1 of 4 stars; one submission).

Conditions:
Retinitis pigmentosa 25 (RP25). Identifiers: Orphanet 791, MedGen C1864446, MONDO:0011272, OMIM 602772.

gnomAD v4.1: 2 of 1,547,164 alleles (0.00013%); highest among the groups gnomAD compares: Non-Finnish European, 0.00017%; no homozygotes.

Submission:

Dasa
Classification: Likely pathogenic for Retinitis pigmentosa 25. Last evaluated: 2025-11-26. Review status: criteria provided, single submitter. Criteria: DASA Assertion Criteria. Collection method: clinical testing. Allele origin: germline.
Comment: NM_001142800.2(EYS):c.9328G>A (p.Gly3110Ser) is a missense variant that results in the substitution of glycine with serine. The affected residue or protein region has prior evidence supporting clinical relevance. This variant has been reported in individuals with EYS-related disorders (PMID: 36899994). Also, this variant is rare in population databases. Computational evidence supports a deleterious effect. Based on the currently available evidence, this variant is classified as likely pathogenic.

Literature cited by the submitters: PubMed 36899994; PubMed 39939324.

NM_001142800.2(EYS):c.9328G>A (p.Gly3110Ser)

Genes: EYS (EGF-like photoreceptor maintenance factor; minus strand), PHF3 (PHD finger protein 3; plus strand). Cytogenetic location: 6q12.
Variant type: single nucleotide variant.
Coding change: c.9328G>A on transcript NM_001142800.2 (MANE Select); coding-DNA position 9328, G replaced by A.
Protein change: p.Gly3110Ser; replaces glycine 3110 with serine.
Molecular consequence: missense variant. On other transcripts: 3 prime UTR variant (5).
Genome position (GRCh38, 1-based): chr6:63,720,703, C>T on the plus strand (G>A on the coding strand, the complement: EYS is on the minus strand). VCF-style: chr6-63720703-C-T. GRCh37 (hg19) VCF-style: chr6-64430599-C-T.
Other names: c.*6995C>T (NM_001290259.2, NM_001370348.2, NM_001370349.2 and 2 more transcripts); c.9391G>A, p.Gly3131Ser (NM_001292009.2); short protein forms G3110S, G3131S.
Identifiers: ClinVar variation 4881058 (VCV004881058.2).